The following is an entry in ClinVar:

NM_000784.4(CYP27A1):c.914T>C (p.Ile305Thr)

Gene: CYP27A1 (cytochrome P450 family 27 subfamily A member 1; plus strand). Cytogenetic location: 2q35.
Variant type: single nucleotide variant.
Coding change: c.914T>C on transcript NM_000784.4 (MANE Select); coding-DNA position 914, T replaced by C.
Protein change: p.Ile305Thr; replaces isoleucine 305 with threonine.
Molecular consequence: missense variant.
Genome position (GRCh38, 1-based): chr2:218,812,993, T>C. VCF-style: chr2-218812993-T-C. GRCh37 (hg19) VCF-style: chr2-219677716-T-C.
Other names: short protein forms I305T.
Identifiers: ClinVar variation 4008776 (VCV004008776.1).

ClinVar aggregate classification (germline): Uncertain significance (1 of 4 stars; one submission).

Conditions:
Cardiovascular phenotype. Identifiers: MedGen CN230736.

gnomAD v4.1: 1 of 1,614,204 alleles (0.000062%); highest among the groups gnomAD compares: Non-Finnish European, 0.000085%; no homozygotes.

Submission:

Ambry Genetics
Classification: Uncertain significance for Cardiovascular phenotype. Last evaluated: 2025-06-10. Review status: criteria provided, single submitter. Criteria: Ambry Variant Classification Scheme 2023. Collection method: clinical testing. Allele origin: germline.
Comment: The p.I305T variant (also known as c.914T>C), located in coding exon 5 of the CYP27A1 gene, results from a T to C substitution at nucleotide position 914. The isoleucine at codon 305 is replaced by threonine, an amino acid with similar properties. This amino acid position is conserved. In addition, this alteration is predicted to be tolerated by in silico analysis. Based on the available evidence, the clinical significance of this variant remains unclear.